The following is an entry in ClinVar:

NM_020812.4(DOCK6):c.1112A>G (p.Glu371Gly)

Gene: DOCK6 (dedicator of cytokinesis 6; minus strand). Cytogenetic location: 19p13.2.
Variant type: single nucleotide variant.
Coding change: c.1112A>G on transcript NM_020812.4 (MANE Select); coding-DNA position 1112, A replaced by G.
Protein change: p.Glu371Gly; replaces glutamic acid 371 with glycine.
Molecular consequence: missense variant.
Genome position (GRCh38, 1-based): chr19:11,243,703, T>C on the plus strand (A>G on the coding strand, the complement: DOCK6 is on the minus strand). VCF-style: chr19-11243703-T-C. GRCh37 (hg19) VCF-style: chr19-11354379-T-C.
Other names: c.1112A>G, p.Glu371Gly (NM_001367830.1); short protein forms E371G.
Identifiers: ClinVar variation 2060095 (VCV002060095.4), dbSNP rs1028074891, ClinGen allele CA305341673.

ClinVar aggregate classification (germline): Uncertain significance (1 of 4 stars; one submission).

Allele frequency attached by ClinVar (database versions not stated): TOPMed below 0.00001.

Submission:

Labcorp Genetics (formerly Invitae), Labcorp
Classification: Uncertain significance. Last evaluated: 2021-12-25. Review status: criteria provided, single submitter. Criteria: Invitae Variant Classification Sherloc (09022015). Collection method: clinical testing. Allele origin: germline.
Comment: This variant is not present in population databases (gnomAD no frequency). This sequence change replaces glutamic acid, which is acidic and polar, with glycine, which is neutral and non-polar, at codon 371 of the DOCK6 protein (p.Glu371Gly). This variant has not been reported in the literature in individuals affected with DOCK6-related conditions. In summary, the available evidence is currently insufficient to determine the role of this variant in disease. Therefore, it has been classified as a Variant of Uncertain Significance. Algorithms developed to predict the effect of missense changes on protein structure and function (SIFT, PolyPhen-2, Align-GVGD) all suggest that this variant is likely to be tolerated.